The following is an entry in ClinVar:

NM_001165963.4(SCN1A):c.4156G>A (p.Asp1386Asn)

Genes: SCN1A (sodium voltage-gated channel alpha subunit 1; minus strand), LOC102724058 (uncharacterized LOC102724058; plus strand). Cytogenetic location: 2q24.3.
Variant type: single nucleotide variant.
Coding change: c.4156G>A on transcript NM_001165963.4 (MANE Select); coding-DNA position 4156, G replaced by A.
Protein change: p.Asp1386Asn; replaces aspartic acid 1386 with asparagine.
Molecular consequence: missense variant. On other transcripts: non-coding transcript variant (1).
Genome position (GRCh38, 1-based): chr2:166,002,600, C>T on the plus strand (G>A on the coding strand, the complement: SCN1A is on the minus strand). VCF-style: chr2-166002600-C-T. GRCh37 (hg19) VCF-style: chr2-166859110-C-T.
Other names: c.4072G>A, p.Asp1358Asn (NM_001165964.3, NM_001353957.2, NM_001353958.2); c.4156G>A, p.Asp1386Asn (NM_001202435.3, NM_001353948.2); c.4123G>A, p.Asp1375Asn (NM_001353949.2, NM_001353950.2, NM_001353951.2 and 2 more transcripts); c.4120G>A, p.Asp1374Asn (NM_001353954.2, NM_001353955.2); c.4069G>A, p.Asp1357Asn (NM_001353960.2); c.1714G>A, p.Asp572Asn (NM_001353961.2); short protein forms D572N, D1358N, D1375N, D1386N, D1357N, D1374N.
Identifiers: ClinVar variation 2872079 (VCV002872079.3), dbSNP rs1691061383, ClinGen allele CA349050254.
Genomic context (GRCh38, chr2:166,002,600, plus strand): 5'-CAGTCTCATTTCTTTCTATTAGTTTTAGGCAATCAGTATGATTATTCACGTCTTCGATGT[C>T]AAACCTGTCACCAGTTGTGGTGTTAATACAGTGGTAGAATTTGCCAGCAAACAAATTTAC-3'
Protein context (NP_001159435.1, residues 1376-1396): CINTTTGDRF[Asp1386Asn]IEDVNNHTDC

ClinVar aggregate classification (germline): Uncertain significance (1 of 4 stars; one submission).

Conditions:
Early-infantile DEE. Also called: Ohtahara syndrome; Early infantile epileptic encephalopathy; Early infantile epileptic encephalopathy with suppression bursts. Identifiers: Orphanet 1934, MedGen C0393706, MONDO:0800491.

gnomAD v4.1: 1 of 1,612,004 alleles (0.000062%); highest among the groups gnomAD compares: Non-Finnish European, 0.000085%; no homozygotes.

Submission:

Labcorp Genetics (formerly Invitae), Labcorp
Classification: Uncertain significance for Early-infantile DEE. Last evaluated: 2025-07-28. Review status: criteria provided, single submitter. Criteria: Invitae Variant Classification Sherloc (09022015). Collection method: clinical testing. Allele origin: germline.
Comment: This sequence change replaces aspartic acid, which is acidic and polar, with asparagine, which is neutral and polar, at codon 1386 of the SCN1A protein (p.Asp1386Asn). This variant is not present in population databases (gnomAD no frequency). This variant has not been reported in the literature in individuals affected with SCN1A-related conditions. ClinVar contains an entry for this variant (Variation ID: 2872079). Invitae Evidence Modeling of protein sequence and biophysical properties (such as structural, functional, and spatial information, amino acid conservation, physicochemical variation, residue mobility, and thermodynamic stability) indicates that this missense variant is not expected to disrupt SCN1A protein function with a negative predictive value of 95%. In summary, the available evidence is currently insufficient to determine the role of this variant in disease. Therefore, it has been classified as a Variant of Uncertain Significance.